The following is an entry in ClinVar:

ClinVar aggregate classification (germline): Likely benign (1 of 4 stars; one submission).

gnomAD v4.1: 191 of 1,548,956 alleles (0.012%); highest among the groups gnomAD compares: Middle Eastern, 0.067%; no homozygotes.

Submission:

CeGaT Center for Human Genetics Tuebingen
Classification: Likely benign. Last evaluated: 2026-08-01. Review status: criteria provided, single submitter. Criteria: CeGaT Center For Human Genetics Tuebingen Variant Classification Criteria Version 2. Collection method: clinical testing. Allele origin: germline. Affected: yes. Observed: 1 variant allele.
Comment: MACF1: PP3, BS2

NM_001394062.1(MACF1):c.22190G>A (p.Arg7397His)

Gene: MACF1 (microtubule actin crosslinking factor 1; plus strand). Cytogenetic location: 1p34.3.
Variant type: single nucleotide variant.
Coding change: c.22190G>A on transcript NM_001394062.1 (MANE Select); coding-DNA position 22190, G replaced by A.
Protein change: p.Arg7397His; replaces arginine 7397 with histidine.
Molecular consequence: missense variant. On other transcripts: intron variant (2).
Genome position (GRCh38, 1-based): chr1:39,480,939, G>A. VCF-style: chr1-39480939-G-A. GRCh37 (hg19) VCF-style: chr1-39946611-G-A.
Other names: c.15906+930G>A (NM_012090.5); c.10161+930G>A (NM_001397473.1); short protein forms R7397H.
Identifiers: ClinVar variation 5039161 (VCV005039161.1).
Genomic context (GRCh38, chr1:39,480,939, plus strand): 5'-TCAATTGTTCCTGTCCTTCCCTTTGGATTTCCGTTTCACAGACTTCACTTCAGTTCTCTC[G>A]CTGTTATGACAAACCCTGGTTGGTAAACAGTAAAGCTGGCACCCCTATCAGGGACAGCCA-3'
Protein context (NP_001380991.1, residues 7387-7407): SGTKTSLQFS[Arg7397His]CYDKPWLVNS